The following is an entry in ClinVar:

NM_001128840.3(CACNA1D):c.5837G>A (p.Arg1946His)

Gene: CACNA1D (calcium voltage-gated channel subunit alpha1 D; plus strand). Cytogenetic location: 3p21.1.
Variant type: single nucleotide variant.
Coding change: c.5837G>A on transcript NM_001128840.3 (MANE Select); coding-DNA position 5837, G replaced by A.
Protein change: p.Arg1946His; replaces arginine 1946 with histidine.
Molecular consequence: missense variant.
Genome position (GRCh38, 1-based): chr3:53,808,736, G>A. VCF-style: chr3-53808736-G-A. GRCh37 (hg19) VCF-style: chr3-53842763-G-A.
Other names: c.5897G>A (NM_000720.2); c.5897G>A, p.Arg1966His (NM_000720.4); c.5765G>A, p.Arg1922His (NM_001128839.3); short protein forms R1966H, R1922H, R1946H.
Identifiers: ClinVar variation 634554 (VCV000634554.15), dbSNP rs150366975, ClinGen allele CA2455283.

ClinVar aggregate classification (germline): Uncertain significance. Review status: criteria provided, multiple submitters, no conflicts (2 of 4 stars). 8 submissions from 7 submitters: Uncertain significance (8). Last evaluated 2026-08-05.

Conditions:
Sinoatrial node dysfunction and deafness (SANDD). Identifiers: Orphanet 324321, MedGen C3554018, MONDO:0013960, OMIM 614896.
Aldosterone-producing adenoma with seizures and neurological abnormalities. Also called: Primary aldosteronism, seizures, and neurologic abnormalities. Identifiers: Orphanet 369929, MedGen C3809609, MONDO:0014200, OMIM 615474.
CACNA1D-related disorder.
Inborn genetic diseases. Identifiers: MedGen C0950123, MeSH D030342.

Allele frequency attached by ClinVar (database versions not stated): gnomAD exomes 0.00003; ExAC 0.00004; gnomAD 0.00006 and 0.00007; ESP Exome Variant Server 0.00008; TOPMed 0.00008.
gnomAD v4.1: 60 of 1,608,088 alleles (0.0037%); highest among the groups gnomAD compares: Middle Eastern, 0.016%; no homozygotes.

Submissions (8):

PreventionGenetics, part of Exact Sciences
Classification: Uncertain significance for CACNA1D-related condition. Last evaluated: 2026-08-05. Review status: criteria provided, single submitter. Criteria: ACMG Guidelines, 2015. Collection method: clinical testing. Allele origin: germline.
Comment: The CACNA1D c.5897G>A variant is predicted to result in the amino acid substitution p.Arg1966His. To our knowledge, this variant has not been reported in the literature. This variant is reported in 0.0070% of alleles in individuals of European (Non-Finnish) descent in gnomAD. At this time, the clinical significance of this variant is uncertain due to the absence of conclusive functional and genetic evidence.

GeneDx
Classification: Uncertain significance. Last evaluated: 2026-04-15. Review status: criteria provided, single submitter. Criteria: GeneDx Variant Classification Process June 2021. Collection method: clinical testing. Allele origin: germline.
Comment: In silico analysis supports that this missense variant has a deleterious effect on protein structure/function; Has not been previously published as pathogenic or benign to our knowledge

Labcorp Genetics (formerly Invitae), Labcorp
Classification: Uncertain significance. Last evaluated: 2025-12-10. Review status: criteria provided, single submitter. Criteria: Invitae Variant Classification Sherloc (09022015). Collection method: clinical testing. Allele origin: germline.
Comment: This sequence change replaces arginine, which is basic and polar, with histidine, which is basic and polar, at codon 1966 of the CACNA1D protein (p.Arg1966His). This variant is present in population databases (rs150366975, gnomAD 0.008%). This variant has not been reported in the literature in individuals affected with CACNA1D-related conditions. ClinVar contains an entry for this variant (Variation ID: 634554). An algorithm developed to predict the effect of missense changes on protein structure and function (PolyPhen-2) suggests that this variant is likely to be disruptive. In summary, the available evidence is currently insufficient to determine the role of this variant in disease. Therefore, it has been classified as a Variant of Uncertain Significance.

Ambry Genetics
Classification: Uncertain significance for Inborn genetic diseases. Last evaluated: 2021-09-15. Review status: criteria provided, single submitter. Criteria: Ambry Variant Classification Scheme 2023. Collection method: clinical testing. Allele origin: germline.

Fulgent Genetics
Classification: Uncertain significance for Sinoatrial node dysfunction and deafness; Aldosterone-producing adenoma with seizures and neurological abnormalities. Last evaluated: 2021-07-24. Review status: criteria provided, single submitter. Criteria: ACMG Guidelines, 2015. Collection method: clinical testing. Allele origin: unknown.

Blueprint Genetics
Classification: Uncertain significance. Last evaluated: 2020-08-19. Review status: criteria provided, single submitter. Criteria: ACMG Guidelines, 2015. Collection method: clinical testing. Allele origin: germline.

Genomic Research Center, Shahid Beheshti University of Medical Sciences
Classification: Uncertain significance for Sinoatrial node dysfunction and deafness. Last evaluated: 2019-01-01. Review status: criteria provided, single submitter. Criteria: ACMG Guidelines, 2015. Collection method: clinical testing. Allele origin: unknown. Affected: yes. Observed: 1 variant allele.

Genomic Research Center, Shahid Beheshti University of Medical Sciences
Classification: Uncertain significance for Primary aldosteronism, seizures, and neurologic abnormalities. Last evaluated: 2019-01-01. Review status: criteria provided, single submitter. Criteria: ACMG Guidelines, 2015. Collection method: clinical testing. Allele origin: unknown. Affected: yes. Observed: 1 variant allele.